The following is an entry in ClinVar:

ClinVar aggregate classification (germline): Uncertain significance. Review status: criteria provided, multiple submitters, no conflicts (2 of 4 stars). 3 submissions from 3 submitters: Uncertain significance (3). Last evaluated 2024-04-18.

Conditions:
Cardiovascular phenotype. Identifiers: MedGen CN230736.
Dilated cardiomyopathy 1JJ (CMD1JJ). Identifiers: Orphanet 154, MedGen C3808935, MONDO:0014095, OMIM 615235.

Allele frequency attached by ClinVar (database versions not stated): gnomAD exomes below 0.00001; gnomAD 0.00001; TOPMed 0.00002.
gnomAD v4.1: 3 of 1,613,944 alleles (0.00019%); highest among the groups gnomAD compares: African/African-American, 0.004%; no homozygotes.

Submissions (3):

Ambry Genetics
Classification: Uncertain significance for Cardiovascular phenotype. Last evaluated: 2024-04-18. Review status: criteria provided, single submitter. Criteria: Ambry Variant Classification Scheme 2023. Collection method: clinical testing. Allele origin: germline.
Comment: The p.D763G variant (also known as c.2288A>G), located in coding exon 17 of the LAMA4 gene, results from an A to G substitution at nucleotide position 2288. The aspartic acid at codon 763 is replaced by glycine, an amino acid with similar properties. This amino acid position is conserved. In addition, the in silico prediction for this alteration is inconclusive. Based on the available evidence, the clinical significance of this variant remains unclear.

Labcorp Genetics (formerly Invitae), Labcorp
Classification: Uncertain significance for Dilated cardiomyopathy 1JJ. Last evaluated: 2024-04-08. Review status: criteria provided, single submitter. Criteria: Invitae Variant Classification Sherloc (09022015). Collection method: clinical testing. Allele origin: germline.
Comment: This sequence change replaces aspartic acid, which is acidic and polar, with glycine, which is neutral and non-polar, at codon 763 of the LAMA4 protein (p.Asp763Gly). This variant is not present in population databases (gnomAD no frequency). This variant has not been reported in the literature in individuals affected with LAMA4-related conditions. ClinVar contains an entry for this variant (Variation ID: 1515993). An algorithm developed to predict the effect of missense changes on protein structure and function (PolyPhen-2) suggests that this variant is likely to be disruptive. In summary, the available evidence is currently insufficient to determine the role of this variant in disease. Therefore, it has been classified as a Variant of Uncertain Significance.

GeneDx
Classification: Uncertain significance. Last evaluated: 2022-06-28. Review status: criteria provided, single submitter. Criteria: GeneDx Variant Classification Process June 2021. Collection method: clinical testing. Allele origin: germline. Affected: yes.
Comment: Has not been previously published as pathogenic or benign to our knowledge; Not observed at significant frequency in large population cohorts (gnomAD); In silico analysis supports that this missense variant does not alter protein structure/function

NM_001105206.3(LAMA4):c.2309A>G (p.Asp770Gly)

Gene: LAMA4 (laminin subunit alpha 4; minus strand). Cytogenetic location: 6q21.
Variant type: single nucleotide variant.
Coding change: c.2309A>G on transcript NM_001105206.3 (MANE Select); coding-DNA position 2309, A replaced by G.
Protein change: p.Asp770Gly; replaces aspartic acid 770 with glycine.
Molecular consequence: missense variant.
Genome position (GRCh38, 1-based): chr6:112,148,201, T>C on the plus strand (A>G on the coding strand, the complement: LAMA4 is on the minus strand). VCF-style: chr6-112148201-T-C. GRCh37 (hg19) VCF-style: chr6-112469403-T-C.
Other names: c.2288A>G, p.Asp763Gly (NM_001105207.3, NM_002290.5); short protein forms D763G, D770G.
Identifiers: ClinVar variation 1515993 (VCV001515993.10), dbSNP rs1179713276, ClinGen allele CA365383492.
Genomic context (GRCh38, chr6:112,148,201, plus strand): 5'-AATTTCTAAGTGATACCTGCATCCCTAGCAGAGTTCACTGCAGTGTTGTAAGCAGAAGAG[T>C]CAAAATGTTGAAGATTCTGTGACCAGTTGGTTAGATTGTTGGCCATGGGGGCAGTGGCCT-3'
Protein context (NP_001098676.2, residues 760-780): TNWSQNLQHF[Asp770Gly]SSAYNTAVNS